The following is an entry in ClinVar:

NM_205836.3(FBXO38):c.482A>G (p.His161Arg)

Gene: FBXO38 (F-box protein 38; plus strand). Cytogenetic location: 5q32.
Variant type: single nucleotide variant.
Coding change: c.482A>G on transcript NM_205836.3 (MANE Select); coding-DNA position 482, A replaced by G.
Protein change: p.His161Arg; replaces histidine 161 with arginine.
Molecular consequence: missense variant.
Genome position (GRCh38, 1-based): chr5:148,402,403, A>G. VCF-style: chr5-148402403-A-G. GRCh37 (hg19) VCF-style: chr5-147781966-A-G.
Other names: c.482A>G, p.His161Arg (NM_001271723.2, NM_030793.5); short protein forms H161R.
Identifiers: ClinVar variation 3675832 (VCV003675832.2).

ClinVar aggregate classification (germline): Uncertain significance (1 of 4 stars; one submission).

Conditions:
Distal hereditary motor neuropathy type 2. Identifiers: Orphanet 139525, MedGen C3711384, MeSH C580044, MONDO:0015352.

Submission:

Labcorp Genetics (formerly Invitae), Labcorp
Classification: Uncertain significance for Distal hereditary motor neuropathy type 2. Last evaluated: 2024-06-03. Review status: criteria provided, single submitter. Criteria: Invitae Variant Classification Sherloc (09022015). Collection method: clinical testing. Allele origin: germline.
Comment: This sequence change replaces histidine, which is basic and polar, with arginine, which is basic and polar, at codon 161 of the FBXO38 protein (p.His161Arg). This variant is present in population databases (rs749280386, gnomAD 0.0009%). This variant has not been reported in the literature in individuals affected with FBXO38-related conditions. Advanced modeling of protein sequence and biophysical properties (such as structural, functional, and spatial information, amino acid conservation, physicochemical variation, residue mobility, and thermodynamic stability) performed at Invitae indicates that this missense variant is not expected to disrupt FBXO38 protein function with a negative predictive value of 80%. In summary, the available evidence is currently insufficient to determine the role of this variant in disease. Therefore, it has been classified as a Variant of Uncertain Significance.